The following is an entry in ClinVar:

NM_021072.4(HCN1):c.1690C>G (p.Leu564Val)

Gene: HCN1 (hyperpolarization activated cyclic nucleotide gated potassium channel 1; minus strand). Cytogenetic location: 5p12.
Variant type: single nucleotide variant.
Coding change: c.1690C>G on transcript NM_021072.4 (MANE Select); coding-DNA position 1690, C replaced by G.
Protein change: p.Leu564Val; replaces leucine 564 with valine.
Molecular consequence: missense variant.
Genome position (GRCh38, 1-based): chr5:45,267,182, G>C on the plus strand (C>G on the coding strand, the complement: HCN1 is on the minus strand). VCF-style: chr5-45267182-G-C. GRCh37 (hg19) VCF-style: chr5-45267284-G-C.
Other names: short protein forms L564V.
Identifiers: ClinVar variation 1707089 (VCV001707089.2), dbSNP rs2478195565, ClinGen allele CA359705865.
Genomic context (GRCh38, chr5:45,267,182, plus strand): 5'-CAAAGGCTCTCCTCATCATTGGATATTCCTCCAGGACCTCGTTGAAATTGTCCACGGAAA[G>C]TGAGTAAAGACGACAATATGTATCAGCTCGAACACTGGCAGTACGACGTCCTTTGGTCAG-3'
Protein context (NP_066550.2, residues 554-574): RADTYCRLYS[Leu564Val]SVDNFNEVLE

ClinVar aggregate classification (germline): Uncertain significance (1 of 4 stars; one submission).

Submission:

GeneDx
Classification: Uncertain significance. Last evaluated: 2022-03-25. Review status: criteria provided, single submitter. Criteria: GeneDx Variant Classification Process June 2021. Collection method: clinical testing. Allele origin: germline. Affected: yes.
Comment: Not observed at significant frequency in large population cohorts (gnomAD); In silico analysis supports that this missense variant has a deleterious effect on protein structure/function; Has not been previously published as pathogenic or benign to our knowledge